The following is an entry in ClinVar:

ClinVar aggregate classification (germline): Conflicting classifications of pathogenicity. Review status: criteria provided, conflicting classifications (1 of 4 stars). 7 submissions from 5 submitters: Uncertain significance (2); Benign (1); Likely benign (4). Last evaluated 2026-01-11.

Conditions:
Hereditary spherocytosis type 3. Also called: Spherocytosis type 3; SPTA1-Related Spherocytosis. Identifiers: Orphanet 822, MedGen C2678338, MONDO:0010053, OMIM 270970.
Elliptocytosis 2 (EL2). Also called: ELLIPTOCYTOSIS, RHESUS-UNLINKED TYPE. Identifiers: Orphanet 288, MedGen C1851741, MONDO:0007533, OMIM 130600.
Pyropoikilocytosis, hereditary. Also called: Pyropoikilocytosis. Identifiers: MedGen C0520739, MONDO:0009948, OMIM 266140, HP:0004839. Disease mechanism: loss of function.

Allele frequency attached by ClinVar (database versions not stated): gnomAD exomes 0.00008 and 0.00025; ExAC 0.00034; gnomAD 0.00090 and 0.00094; ESP Exome Variant Server 0.00107; TOPMed 0.00107; 1000 Genomes Project 0.00200; 1000 Genomes Project 30x 0.00203.
gnomAD v4.1: 256 of 1,613,742 alleles (0.016%); highest among the groups gnomAD compares: African/African-American, 0.31%; no homozygotes.

Submissions (8):

Labcorp Genetics (formerly Invitae), Labcorp
Classification: Benign. Last evaluated: 2026-01-11. Review status: criteria provided, single submitter. Criteria: Invitae Variant Classification Sherloc (09022015). Collection method: clinical testing. Allele origin: germline.

Mayo Clinic Laboratories, Mayo Clinic
Classification: Likely benign. Last evaluated: 2025-07-02. Review status: criteria provided, single submitter. Criteria: ACMG Guidelines, 2015. Collection method: clinical testing. Allele origin: germline. Observed: 4 variant alleles.
Comment: BP4, BP7

ARUP Laboratories, Molecular Genetics and Genomics, ARUP Laboratories
Classification: Likely benign. Last evaluated: 2024-12-23. Review status: criteria provided, single submitter. Criteria: ARUP Molecular Germline Variant Investigation Process 2024. Collection method: clinical testing. Allele origin: germline.

Blueprint Genetics
Classification: Likely benign. Last evaluated: 2021-09-01. Review status: criteria provided, single submitter. Criteria: ACMG Guidelines, 2015. Collection method: clinical testing. Allele origin: germline.

Illumina Laboratory Services, Illumina
Classification: Uncertain significance for Hereditary spherocytosis type 3. Last evaluated: 2018-01-12. Review status: criteria provided, single submitter. Criteria: ICSL Variant Classification Criteria 13 December 2019. Collection method: clinical testing. Allele origin: germline.

Illumina Laboratory Services, Illumina
Classification: Uncertain significance for Pyropoikilocytosis, hereditary. Last evaluated: 2018-01-12. Review status: criteria provided, single submitter. Criteria: ICSL Variant Classification Criteria 13 December 2019. Collection method: clinical testing. Allele origin: germline.

Illumina Laboratory Services, Illumina
Classification: Likely benign for Elliptocytosis 2. Last evaluated: 2018-01-12. Review status: criteria provided, single submitter. Criteria: ICSL Variant Classification Criteria 13 December 2019. Collection method: clinical testing. Allele origin: germline.
Comment: This variant was observed in the ICSL laboratory as part of a predisposition screen in an ostensibly healthy population. It had not been previously curated by ICSL or reported in the Human Gene Mutation Database (HGMD: prior to June 1st, 2018), and was therefore a candidate for classification through an automated scoring system. Utilizing variant allele frequency, disease prevalence and penetrance estimates, and inheritance mode, an automated score was calculated to assess if this variant is too frequent to cause the disease. Based on the score and internal cut-off values, a variant classified as likely benign is not then subjected to further curation. The score for this variant resulted in a classification of likely benign for this disease.

Dr. Peter K. Rogan Lab, Western University
No classification provided (evidence only). Condition: Lung cancer. Review status: no classification provided. Collection method: in vitro. Allele origin: not applicable. Functional consequence: retained intron. Not counted in ClinVar's aggregate classification.

NM_003126.4(SPTA1):c.3715-11T>C

Gene: SPTA1 (spectrin alpha, erythrocytic 1; minus strand). Cytogenetic location: 1q23.1.
Variant type: single nucleotide variant.
Coding change: c.3715-11T>C on transcript NM_003126.4 (MANE Select); 11 bases into the intron before coding-DNA position 3715, T replaced by C.
Molecular consequence: intron variant.
Genome position (GRCh38, 1-based): chr1:158,647,731, A>G on the plus strand (T>C on the coding strand, the complement: SPTA1 is on the minus strand). VCF-style: chr1-158647731-A-G. GRCh37 (hg19) VCF-style: chr1-158617521-A-G.
Other names: NC_000001.10:g.158617521A>G; p.?.
Identifiers: ClinVar variation 876465 (VCV000876465.9), dbSNP rs147184530, ClinGen allele CA1182946.
Genomic context (GRCh38, chr1:158,647,731, plus strand): 5'-TCTGGATGGGACTCACTGAGCCGCTCTGCTGTCTCCCCCAGTATGGTCACCTGGGGAGGT[A>G]CAATAGCTCTGATAATCAGCCTAGAGACACACCTGAATCTTAGCAAAAGGAGAATCCTGA-3'